The following is an entry in ClinVar:

NM_024548.4(CEP97):c.2168del (p.Ser723fs)

Gene: CEP97 (centrosomal protein 97; plus strand). Cytogenetic location: 3q12.3.
Variant type: Deletion.
Coding change: c.2168del on transcript NM_024548.4 (MANE Select); coding-DNA position 2168, one base deleted (G; older notation c.2168delG).
Protein change: p.Ser723fs; shifts the reading frame from serine 723.
Molecular consequence: frameshift variant.
Genome position (GRCh38, 1-based): chr3:101,765,121, G deleted. VCF-style (leftmost placement, unchanged base first): chr3-101765120-AG-A. GRCh37 (hg19) VCF-style: chr3-101483964-AG-A.
Other names: c.1991del, p.Ser664fs (NM_001303401.2); c.2066del, p.Ser689fs (NM_001410784.1); c.1889del, p.Ser630fs (NM_001410785.1); short protein forms S630fs, S664fs, S723fs, S689fs.
Identifiers: ClinVar variation 3657678 (VCV003657678.2).
Genomic context (GRCh38, chr3:101,765,120, plus strand): 5'-TTTCATTCCTCTCTAACAGAACAAGTTCATTCATTGCAGCATTCTTTGGATTTTGAGAAA[AG>A]TTCCACAGAAGGCAGTGAAAGCTCCATAATGGGGAATTCCATTGACACAGTCAGATATGG-3'

ClinVar aggregate classification (germline): Uncertain significance (1 of 4 stars; one submission).

Submission:

Labcorp Genetics (formerly Invitae), Labcorp
Classification: Uncertain significance. Last evaluated: 2024-06-24. Review status: criteria provided, single submitter. Criteria: Invitae Variant Classification Sherloc (09022015). Collection method: clinical testing. Allele origin: germline.
Comment: This sequence change creates a premature translational stop signal (p.Ser723Ilefs*10) in the CEP97 gene. While this is not anticipated to result in nonsense mediated decay, it is expected to disrupt the last 143 amino acid(s) of the CEP97 protein. This variant is not present in population databases (gnomAD no frequency). This variant has not been reported in the literature in individuals affected with CEP97-related conditions. Experimental studies and prediction algorithms are not available or were not evaluated, and the functional significance of this variant is currently unknown. In summary, the available evidence is currently insufficient to determine the role of this variant in disease. Therefore, it has been classified as a Variant of Uncertain Significance.